The following is an entry in ClinVar:

NM_014339.7(IL17RA):c.250C>G (p.His84Asp)

Gene: IL17RA (interleukin 17 receptor A; plus strand). Cytogenetic location: 22q11.1.
Variant type: single nucleotide variant.
Coding change: c.250C>G on transcript NM_014339.7 (MANE Select); coding-DNA position 250, C replaced by G.
Protein change: p.His84Asp; replaces histidine 84 with aspartic acid.
Molecular consequence: missense variant.
Genome position (GRCh38, 1-based): chr22:17,097,883, C>G. VCF-style: chr22-17097883-C-G. GRCh37 (hg19) VCF-style: chr22-17578773-C-G.
Other names: c.250C>G, p.His84Asp (NM_001289905.2); short protein forms H84D.
Identifiers: ClinVar variation 1024692 (VCV001024692.6), dbSNP rs772083135, ClinGen allele CA10086271.

ClinVar aggregate classification (germline): Uncertain significance (1 of 4 stars; one submission).

Conditions:
Immunodeficiency 51 (IMD51). Also called: CANDIDIASIS, FAMILIAL, 5. Identifiers: Orphanet 1334, MedGen C4310803, MONDO:0013500, OMIM 613953.

Allele frequency attached by ClinVar (database versions not stated): gnomAD 0.00001; TOPMed 0.00001.
gnomAD v4.1: 43 of 1,614,122 alleles (0.0027%); highest among the groups gnomAD compares: Non-Finnish European, 0.0036%; no homozygotes.

Submission:

Labcorp Genetics (formerly Invitae), Labcorp
Classification: Uncertain significance for Immunodeficiency 51. Last evaluated: 2021-08-28. Review status: criteria provided, single submitter. Criteria: Invitae Variant Classification Sherloc (09022015). Collection method: clinical testing. Allele origin: germline.
Comment: This sequence change replaces histidine with aspartic acid at codon 84 of the IL17RA protein (p.His84Asp). The histidine residue is weakly conserved and there is a moderate physicochemical difference between histidine and aspartic acid. This variant is present in population databases (rs772083135, ExAC 0.006%). This variant has not been reported in the literature in individuals affected with IL17RA-related conditions. Algorithms developed to predict the effect of missense changes on protein structure and function (SIFT, PolyPhen-2, Align-GVGD) all suggest that this variant is likely to be tolerated. In summary, the available evidence is currently insufficient to determine the role of this variant in disease. Therefore, it has been classified as a Variant of Uncertain Significance.